The following is an entry in ClinVar:

ClinVar aggregate classification (germline): Uncertain significance (1 of 4 stars; one submission).

Allele frequency attached by ClinVar (database versions not stated): gnomAD exomes below 0.00001.
gnomAD v4.1: 1 of 1,609,996 alleles (0.000062%); highest among the groups gnomAD compares: African/African-American, 0.0013%; no homozygotes.

Submission:

Labcorp Genetics (formerly Invitae), Labcorp
Classification: Uncertain significance. Last evaluated: 2022-07-26. Review status: criteria provided, single submitter. Criteria: Invitae Variant Classification Sherloc (09022015). Collection method: clinical testing. Allele origin: germline.
Comment: This sequence change replaces serine, which is neutral and polar, with cysteine, which is neutral and slightly polar, at codon 337 of the TRAF3IP1 protein (p.Ser337Cys). This variant is not present in population databases (gnomAD no frequency). This variant has not been reported in the literature in individuals affected with TRAF3IP1-related conditions. Algorithms developed to predict the effect of missense changes on protein structure and function are either unavailable or do not agree on the potential impact of this missense change (SIFT: "Tolerated"; PolyPhen-2: "Probably Damaging"; Align-GVGD: "Class C0"). In summary, the available evidence is currently insufficient to determine the role of this variant in disease. Therefore, it has been classified as a Variant of Uncertain Significance.

NM_015650.4(TRAF3IP1):c.1010C>G (p.Ser337Cys)

Gene: TRAF3IP1 (TRAF3 interacting protein 1; plus strand). Cytogenetic location: 2q37.3.
Variant type: single nucleotide variant.
Coding change: c.1010C>G on transcript NM_015650.4 (MANE Select); coding-DNA position 1010, C replaced by G.
Protein change: p.Ser337Cys; replaces serine 337 with cysteine.
Molecular consequence: missense variant.
Genome position (GRCh38, 1-based): chr2:238,333,982, C>G. VCF-style: chr2-238333982-C-G. GRCh37 (hg19) VCF-style: chr2-239242623-C-G.
Other names: c.1010C>G, p.Ser337Cys (NM_001139490.1); short protein forms S337C.
Identifiers: ClinVar variation 1713853 (VCV001713853.5), dbSNP rs1698256448, ClinGen allele CA351248511.